The following is an entry in ClinVar:

ClinVar aggregate classification (germline): Likely pathogenic. Review status: criteria provided, multiple submitters, no conflicts (2 of 4 stars). 3 submissions from 3 submitters: Likely pathogenic (3). Last evaluated 2025-11-07.

Conditions:
Intellectual disability-facial dysmorphism syndrome due to SETD5 haploinsufficiency (MRD23). Also called: Intellectual developmental disorder, autosomal dominant 23. Identifiers: Orphanet 404440, MedGen C3810406, MONDO:0014336, OMIM 615761.

Submissions (3):

GeneDx
Classification: Likely pathogenic. Last evaluated: 2025-11-07. Review status: criteria provided, single submitter. Criteria: GeneDx Variant Classification Process June 2021. Collection method: clinical testing. Allele origin: germline.
Comment: Reported in a patient from a cohort of individuals with intellectual disability in published literature; however, additional clinical information was not provided (PMID: 35904121); Not observed at significant frequency in large population cohorts (gnomAD); In silico analysis supports that this missense variant has a deleterious effect on protein structure/function; In silico analysis supports that this missense variant has a deleterious effect on splicing; This variant is associated with the following publications: (PMID: 35904121)

Baylor Genetics
Classification: Likely pathogenic for Intellectual disability-facial dysmorphism syndrome due to SETD5 haploinsufficiency. Last evaluated: 2020-09-27. Review status: criteria provided, single submitter. Criteria: ACMG Guidelines, 2015. Collection method: clinical testing. Allele origin: unknown. Affected: yes.
Comment: This variant was determined to be likely pathogenic according to ACMG Guidelines, 2015 [PMID:25741868].

Equipe Genetique des Anomalies du Developpement, Université de Bourgogne
Classification: Likely pathogenic for Intellectual disability-facial dysmorphism syndrome due to SETD5 haploinsufficiency. Last evaluated: 2015-01-01. Review status: criteria provided, single submitter. Criteria: ACMG Guidelines, 2007. Collection method: clinical testing. Allele origin: de novo. Affected: yes.

NM_001080517.3(SETD5):c.988A>G (p.Lys330Glu)

Gene: SETD5 (SET domain containing 5; plus strand). Cytogenetic location: 3p25.3.
Variant type: single nucleotide variant.
Coding change: c.988A>G on transcript NM_001080517.3 (MANE Select); coding-DNA position 988, A replaced by G.
Protein change: p.Lys330Glu; replaces lysine 330 with glutamic acid.
Molecular consequence: missense variant.
Genome position (GRCh38, 1-based): chr3:9,442,156, A>G. VCF-style: chr3-9442156-A-G. GRCh37 (hg19) VCF-style: chr3-9483840-A-G.
Other names: c.694A>G, p.Lys232Glu (NM_001292043.2, NM_001349451.2); short protein forms K232E, K330E.
Identifiers: ClinVar variation 666294 (VCV000666294.4), dbSNP rs1575430613, ClinGen allele CA351689260.
Genomic context (GRCh38, chr3:9,442,156, plus strand): 5'-GAGAATTACAGGAATTTTAATTGTATCCCTAGACCATACCCCTTTGTGCTCTTCTACTCA[A>G]AATTCAATGGTGTAGAGATGTGTGTGGATGCCCGTACTTTCGGTAATGATGCTCGGTTCA-3'
Protein context (NP_001073986.1, residues 320-340): KPYPFVLFYS[Lys330Glu]FNGVEMCVDA